The following is an entry in ClinVar:

ClinVar aggregate classification (germline): Uncertain significance (1 of 4 stars; one submission).

Submission:

Labcorp Genetics (formerly Invitae), Labcorp
Classification: Uncertain significance. Last evaluated: 2021-11-06. Review status: criteria provided, single submitter. Criteria: Invitae Variant Classification Sherloc (09022015). Collection method: clinical testing. Allele origin: germline.
Comment: This sequence change replaces leucine, which is neutral and non-polar, with phenylalanine, which is neutral and non-polar, at codon 719 of the CEP152 protein (p.Leu719Phe). This variant is not present in population databases (gnomAD no frequency). This variant has not been reported in the literature in individuals affected with CEP152-related conditions. Algorithms developed to predict the effect of missense changes on protein structure and function are either unavailable or do not agree on the potential impact of this missense change (SIFT: "Deleterious"; PolyPhen-2: "Probably Damaging"; Align-GVGD: "Class C0"). In summary, the available evidence is currently insufficient to determine the role of this variant in disease. Therefore, it has been classified as a Variant of Uncertain Significance.

NM_001194998.2(CEP152):c.2157G>C (p.Leu719Phe)

Gene: CEP152 (centrosomal protein 152; minus strand). Cytogenetic location: 15q21.1.
Variant type: single nucleotide variant.
Coding change: c.2157G>C on transcript NM_001194998.2 (MANE Select); coding-DNA position 2157, G replaced by C.
Protein change: p.Leu719Phe; replaces leucine 719 with phenylalanine.
Molecular consequence: missense variant.
Genome position (GRCh38, 1-based): chr15:48,767,183, C>G on the plus strand (G>C on the coding strand, the complement: CEP152 is on the minus strand). VCF-style: chr15-48767183-C-G. GRCh37 (hg19) VCF-style: chr15-49059380-C-G.
Other names: c.2157G>C, p.Leu719Phe (NM_014985.4); short protein forms L719F.
Identifiers: ClinVar variation 1501992 (VCV001501992.6), dbSNP rs1313873857, ClinGen allele CA392348419.
Genomic context (GRCh38, chr15:48,767,183, plus strand): 5'-CTCTCTGCACACTTCTAGGTAACATTCCTGCACAGCAGTCACCTCCTTATTCAACTTATC[C>G]AACTCAGACCTTGGATACACAAAACCAGCAACTAAATGATTTAACCACAAAAAAATACAA-3'
Protein context (NP_001181927.1, residues 709-729): ERTHLQLRSE[Leu719Phe]DKLNKEVTAV